The following is an entry in ClinVar:

NM_014225.6(PPP2R1A):c.169+5C>G

Gene: PPP2R1A (protein phosphatase 2 scaffold subunit Aalpha; plus strand). Cytogenetic location: 19q13.41.
Variant type: single nucleotide variant.
Coding change: c.169+5C>G on transcript NM_014225.6 (MANE Select); 5 bases into the intron after coding-DNA position 169, C replaced by G.
Molecular consequence: intron variant.
Genome position (GRCh38, 1-based): chr19:52,202,039, C>G. VCF-style: chr19-52202039-C-G. GRCh37 (hg19) VCF-style: chr19-52705292-C-G.
Other names: c.-369+5C>G (NM_001363656.2).
Identifiers: ClinVar variation 3726470 (VCV003726470.2).

ClinVar aggregate classification (germline): Uncertain significance (1 of 4 stars; one submission).

Submission:

Labcorp Genetics (formerly Invitae), Labcorp
Classification: Uncertain significance. Last evaluated: 2024-12-02. Review status: criteria provided, single submitter. Criteria: Invitae Variant Classification Sherloc (09022015). Collection method: clinical testing. Allele origin: germline.
Comment: This sequence change falls in intron 2 of the PPP2R1A gene. It does not directly change the encoded amino acid sequence of the PPP2R1A protein. It affects a nucleotide within the consensus splice site. This variant is not present in population databases (gnomAD no frequency). This variant has not been reported in the literature in individuals affected with PPP2R1A-related conditions. Variants that disrupt the consensus splice site are a relatively common cause of aberrant splicing (PMID: 17576681, 9536098). Algorithms developed to predict the effect of sequence changes on RNA splicing suggest that this variant is not likely to affect RNA splicing. In summary, the available evidence is currently insufficient to determine the role of this variant in disease. Therefore, it has been classified as a Variant of Uncertain Significance.

Literature cited by the submitters: PubMed 17576681; PubMed 9536098.